The following is an entry in ClinVar:

NM_000135.4(FANCA):c.863A>G (p.Glu288Gly)

Gene: FANCA (FA complementation group A; minus strand). Cytogenetic location: 16q24.3.
Variant type: single nucleotide variant.
Coding change: c.863A>G on transcript NM_000135.4 (MANE Select); coding-DNA position 863, A replaced by G.
Protein change: p.Glu288Gly; replaces glutamic acid 288 with glycine.
Molecular consequence: missense variant.
Genome position (GRCh38, 1-based): chr16:89,799,196, T>C on the plus strand (A>G on the coding strand, the complement: FANCA is on the minus strand). VCF-style: chr16-89799196-T-C. GRCh37 (hg19) VCF-style: chr16-89865604-T-C.
Other names: c.863A>G, p.Glu288Gly (NM_001018112.3, NM_001286167.3); c.767A>G, p.Glu256Gly (NM_001351830.2); short protein forms E288G, E256G.
Identifiers: ClinVar variation 3572409 (VCV003572409.2).
Genomic context (GRCh38, chr16:89,799,196, plus strand): 5'-CACTCAGGCAGGCCACCCTCAGGAACATACCAGCACCTCACGATCTTGTGAGTGGAGGAC[T>C]CCTCCTGTACTCCAGCAGCCAAAGCGTCAAGTGCAACTGAAGACAGAGCCAGGAACAGAA-3'
Protein context (NP_000126.2, residues 278-298): LDALAAGVQE[Glu288Gly]SSTHKIVRCW

ClinVar aggregate classification (germline): Uncertain significance. Review status: criteria provided, multiple submitters, no conflicts (2 of 4 stars). 2 submissions from 2 submitters: Uncertain significance (2). Last evaluated 2025-04-05.

Conditions:
Inborn genetic diseases. Identifiers: MedGen C0950123, MeSH D030342.

gnomAD v4.1: 1 of 1,613,960 alleles (0.000062%); highest among the groups gnomAD compares: Non-Finnish European, 0.000085%; no homozygotes.

Submissions (2):

Ambry Genetics
Classification: Uncertain significance for Inborn genetic diseases. Last evaluated: 2025-04-05. Review status: criteria provided, single submitter. Criteria: Ambry Variant Classification Scheme 2023. Collection method: clinical testing. Allele origin: germline.
Comment: The p.E288G variant (also known as c.863A>G), located in coding exon 10 of the FANCA gene, results from an A to G substitution at nucleotide position 863. The glutamic acid at codon 288 is replaced by glycine, an amino acid with similar properties. This amino acid position is conserved. In addition, this alteration is predicted to be tolerated by in silico analysis. Based on the available evidence, the clinical significance of this variant remains unclear.

Quest Diagnostics Nichols Institute San Juan Capistrano
Classification: Uncertain significance. Last evaluated: 2024-03-20. Review status: criteria provided, single submitter. Criteria: Quest Diagnostics criteria. Collection method: clinical testing. Allele origin: unknown.
Comment: The FANCA c.863A>G (p.Glu288Gly) variant has not been reported in individuals with FANCA-related conditions in the published literature. The frequency of this variant in the general population, 0.0000066 (1/152126 chromosomes (Genome Aggregation Database)), is uninformative in the assessment of its pathogenicity. Analysis of this variant using bioinformatics tools for the prediction of the effect of amino acid changes on protein structure and function yielded predictions that this variant is benign. Based on the available information, we are unable to determine the clinical significance of this variant.